The following is an entry in ClinVar:

ClinVar aggregate classification (germline): Uncertain significance (1 of 4 stars; one submission).

Submission:

Labcorp Genetics (formerly Invitae), Labcorp
Classification: Uncertain significance. Last evaluated: 2021-12-08. Review status: criteria provided, single submitter. Criteria: Invitae Variant Classification Sherloc (09022015). Collection method: clinical testing. Allele origin: germline.
Comment: This sequence change replaces alanine, which is neutral and non-polar, with valine, which is neutral and non-polar, at codon 536 of the GATAD2B protein (p.Ala536Val). In summary, the available evidence is currently insufficient to determine the role of this variant in disease. Therefore, it has been classified as a Variant of Uncertain Significance. Algorithms developed to predict the effect of missense changes on protein structure and function are either unavailable or do not agree on the potential impact of this missense change (SIFT: "Not Available"; PolyPhen-2: "Possibly Damaging"; Align-GVGD: "Not Available"). This variant has not been reported in the literature in individuals affected with GATAD2B-related conditions. This variant is not present in population databases (gnomAD no frequency).

NM_020699.4(GATAD2B):c.1607C>T (p.Ala536Val)

Gene: GATAD2B (GATA zinc finger domain containing 2B; minus strand). Cytogenetic location: 1q21.3.
Variant type: single nucleotide variant.
Coding change: c.1607C>T on transcript NM_020699.4 (MANE Select); coding-DNA position 1607, C replaced by T.
Protein change: p.Ala536Val; replaces alanine 536 with valine.
Molecular consequence: missense variant.
Genome position (GRCh38, 1-based): chr1:153,811,772, G>A on the plus strand (C>T on the coding strand, the complement: GATAD2B is on the minus strand). VCF-style: chr1-153811772-G-A. GRCh37 (hg19) VCF-style: chr1-153784248-G-A.
Other names: short protein forms A536V.
Identifiers: ClinVar variation 1462009 (VCV001462009.6), dbSNP rs2101874920, ClinGen allele CA342580776.